The following is an entry in ClinVar:

ClinVar aggregate classification (germline): Uncertain significance (1 of 4 stars; one submission).

Conditions:
Microcephaly, normal intelligence and immunodeficiency (NBS). Also called: SEEMANOVA SYNDROME II; IMMUNODEFICIENCY, MICROCEPHALY, AND CHROMOSOMAL INSTABILITY; Nijmegen breakage syndrome; Microcephaly with normal intelligence immunodeficiency and lymphoreticular malignancies; Nonsyndromal microcephaly autosomal recessive with normal intelligence; Seemanova syndrome 2. Identifiers: Orphanet 647, MedGen C0398791, MONDO:0009623, OMIM 251260.

Submission:

Labcorp Genetics (formerly Invitae), Labcorp
Classification: Uncertain significance for Microcephaly, normal intelligence and immunodeficiency. Last evaluated: 2022-12-10. Review status: criteria provided, single submitter. Criteria: Invitae Variant Classification Sherloc (09022015). Collection method: clinical testing. Allele origin: germline.
Comment: This sequence change replaces glutamine, which is neutral and polar, with lysine, which is basic and polar, at codon 506 of the NBN protein (p.Gln506Lys). This variant is not present in population databases (gnomAD no frequency). This variant has not been reported in the literature in individuals affected with NBN-related conditions. Algorithms developed to predict the effect of missense changes on protein structure and function (SIFT, PolyPhen-2, Align-GVGD) all suggest that this variant is likely to be tolerated. In summary, the available evidence is currently insufficient to determine the role of this variant in disease. Therefore, it has been classified as a Variant of Uncertain Significance.

NM_002485.5(NBN):c.1516C>A (p.Gln506Lys)

Gene: NBN (nibrin; minus strand). Cytogenetic location: 8q21.3.
Variant type: single nucleotide variant.
Coding change: c.1516C>A on transcript NM_002485.5 (MANE Select); coding-DNA position 1516, C replaced by A.
Protein change: p.Gln506Lys; replaces glutamine 506 with lysine.
Molecular consequence: missense variant.
Genome position (GRCh38, 1-based): chr8:89,953,573, G>T on the plus strand (C>A on the coding strand, the complement: NBN is on the minus strand). VCF-style: chr8-89953573-G-T. GRCh37 (hg19) VCF-style: chr8-90965801-G-T.
Other names: c.1270C>A, p.Gln424Lys (NM_001024688.3); short protein forms Q506K, Q424K.
Identifiers: ClinVar variation 2819800 (VCV002819800.3), dbSNP rs876658535, ClinGen allele CA371655689.